The following is an entry in ClinVar:

ClinVar aggregate classification (germline): Likely benign. Review status: criteria provided, multiple submitters, no conflicts (2 of 4 stars). 2 submissions from 2 submitters: Likely benign (2). Last evaluated 2024-09-23.

Allele frequency attached by ClinVar (database versions not stated): ESP Exome Variant Server 0.00008.
gnomAD v4.1: 19 of 1,597,594 alleles (0.0012%); highest among the groups gnomAD compares: Non-Finnish European, 0.0016%; no homozygotes.

Submissions (2):

Women's Health and Genetics/Laboratory Corporation of America, LabCorp
Classification: Likely benign. Last evaluated: 2024-09-23. Review status: criteria provided, single submitter. Criteria: LabCorp Variant Classification Summary - May 2015. Collection method: clinical testing. Allele origin: germline.
Comment: Variant summary: LIFR c.1885+8C>T alters a non-conserved nucleotide located close to a canonical splice site and therefore could affect mRNA splicing, leading to a significantly altered protein sequence. Consensus agreement among computation tools predict no significant impact on normal splicing. However, these predictions have yet to be confirmed by functional studies. The variant allele was found at a frequency of 1.2e-05 in 1590654 control chromosomes in the gnomAD database (v4.1 dataset). To our knowledge, no occurrence of c.1885+8C>T in individuals affected with Stuve-Wiedemann Syndrome 1 and no experimental evidence demonstrating its impact on protein function have been reported. ClinVar contains an entry for this variant (Variation ID: 1610092). Based on the evidence outlined above, the variant was classified as likely benign.

Labcorp Genetics (formerly Invitae), Labcorp
Classification: Likely benign. Last evaluated: 2023-10-06. Review status: criteria provided, single submitter. Criteria: Invitae Variant Classification Sherloc (09022015). Collection method: clinical testing. Allele origin: germline.

NM_001127671.2(LIFR):c.1885+8C>T

Gene: LIFR (LIF receptor subunit alpha; minus strand). Cytogenetic location: 5p13.1.
Variant type: single nucleotide variant.
Coding change: c.1885+8C>T on transcript NM_001127671.2 (MANE Select); 8 bases into the intron after coding-DNA position 1885, C replaced by T.
Molecular consequence: intron variant.
Genome position (GRCh38, 1-based): chr5:38,496,374, G>A on the plus strand (C>T on the coding strand, the complement: LIFR is on the minus strand). VCF-style: chr5-38496374-G-A. GRCh37 (hg19) VCF-style: chr5-38496476-G-A.
Other names: c.1885+8C>T (NM_002310.6, NM_001364298.2, NM_001364297.2).
Identifiers: ClinVar variation 1610092 (VCV001610092.9), dbSNP rs370910977, ClinGen allele CA117151033.